The following is an entry in ClinVar:

NM_001378454.1(ALMS1):c.11764A>G (p.Asn3922Asp)

Gene: ALMS1 (ALMS1 centrosome and basal body associated protein; plus strand). Cytogenetic location: 2p13.1.
Variant type: single nucleotide variant.
Coding change: c.11764A>G on transcript NM_001378454.1 (MANE Select); coding-DNA position 11764, A replaced by G.
Protein change: p.Asn3922Asp; replaces asparagine 3922 with aspartic acid.
Molecular consequence: missense variant.
Genome position (GRCh38, 1-based): chr2:73,600,773, A>G. VCF-style: chr2-73600773-A-G. GRCh37 (hg19) VCF-style: chr2-73827900-A-G.
Other names: c.11767A>G, p.Asn3923Asp (NM_015120.4); short protein forms N3923D, N3922D.
Identifiers: ClinVar variation 426526 (VCV000426526.7), dbSNP rs45486496, ClinGen allele CA1715315.

ClinVar aggregate classification (germline): Conflicting classifications of pathogenicity. Review status: criteria provided, conflicting classifications (1 of 4 stars). 5 submissions from 5 submitters: Uncertain significance (3); Benign (1). 1 of the submissions does not count toward it. Last evaluated 2025-07-03.

Conditions:
Cardiovascular phenotype. Identifiers: MedGen CN230736.
Alstrom syndrome (ALMS). Identifiers: Orphanet 64, MedGen C0268425, MONDO:0008763, OMIM 203800.

Allele frequency attached by ClinVar (database versions not stated): TOPMed below 0.00001; gnomAD 0.00001 and 0.00005; 1000 Genomes Project 30x 0.00016; ExAC 0.00019; 1000 Genomes Project 0.00020.
gnomAD v4.1: 117 of 1,614,214 alleles (0.0072%); highest among the groups gnomAD compares: South Asian, 0.11%; 4 homozygotes.

Submissions (5):

Ambry Genetics
Classification: Benign for Cardiovascular phenotype. Last evaluated: 2025-07-03. Review status: criteria provided, single submitter. Criteria: Ambry Variant Classification Scheme 2023. Collection method: clinical testing. Allele origin: germline.

Blueprint Genetics
Classification: Uncertain significance. Last evaluated: 2024-10-25. Review status: criteria provided, single submitter. Criteria: ACMG Guidelines, 2015. Collection method: clinical testing. Allele origin: germline.

Labcorp Genetics (formerly Invitae), Labcorp
Classification: Uncertain significance for Alstrom syndrome. Last evaluated: 2022-07-22. Review status: criteria provided, single submitter. Criteria: Invitae Variant Classification Sherloc (09022015). Collection method: clinical testing. Allele origin: germline.
Comment: This sequence change replaces asparagine, which is neutral and polar, with aspartic acid, which is acidic and polar, at codon 3923 of the ALMS1 protein (p.Asn3923Asp). This variant is present in population databases (rs45486496, gnomAD 0.1%). This variant has not been reported in the literature in individuals affected with ALMS1-related conditions. ClinVar contains an entry for this variant (Variation ID: 426526). Experimental studies and prediction algorithms are not available or were not evaluated, and the functional significance of this variant is currently unknown. In summary, the available evidence is currently insufficient to determine the role of this variant in disease. Therefore, it has been classified as a Variant of Uncertain Significance.

GeneDx
Classification: Uncertain significance. Last evaluated: 2018-12-31. Review status: criteria provided, single submitter. Criteria: GeneDx Variant Classification (06012015). Collection method: clinical testing. Allele origin: germline. Affected: yes.
Comment: A variant of uncertain significance has been identified in the ALMS1 gene. The N3923D variant has not been published as pathogenic or been reported as benign to our knowledge. N3923D has been observed in 38/30780 (0.12%) alleles from individuals of South Asian ancestry in large population cohorts, though no individuals were reported to be homozygous (Lek et al., 2016). The N3923D variant is a semi-conservative amino acid substitution, which may impact secondary protein structure as these residues differ in some properties. However, in-silico analyses, including protein predictors and evolutionary conservation, support that this variant does not alter protein structure/function. Lastly, while some missense variants have been reported in association with Alstrom syndrome, most pathogenic variants in ALMS1 reported to date are predicted to cause premature protein truncation (Marshall et al., 2012; Stenson et al., 2014).

Natera, Inc.
Classification: Uncertain significance for Alstrom syndrome. Last evaluated: 2020-09-16. Review status: no assertion criteria provided. Collection method: clinical testing. Allele origin: germline. Not counted in ClinVar's aggregate classification.